The following is an entry in ClinVar:

ClinVar aggregate classification (germline): Uncertain significance (1 of 4 stars; one submission).

Conditions:
Myofibrillar myopathy 3 (MFM3). Also called: Muscular dystrophy, proximal, type 1A; Autosomal dominant spheroid body myopathy. Identifiers: Orphanet 266, Orphanet 268129, MedGen C3714934, MONDO:0012215, OMIM 609200.

Allele frequency attached by ClinVar (database versions not stated): ExAC 0.00001; TOPMed 0.00003; gnomAD 0.00004.
gnomAD v4.1: 10 of 1,612,990 alleles (0.00062%); highest among the groups gnomAD compares: Admixed American, 0.013%; no homozygotes.

Submission:

Labcorp Genetics (formerly Invitae), Labcorp
Classification: Uncertain significance for Myofibrillar myopathy 3. Last evaluated: 2026-02-01. Review status: criteria provided, single submitter. Criteria: Invitae Variant Classification Sherloc (09022015). Collection method: clinical testing. Allele origin: germline.
Comment: This sequence change replaces threonine, which is neutral and polar, with methionine, which is neutral and non-polar, at codon 441 of the MYOT protein (p.Thr441Met). This variant is present in population databases (rs748113190, gnomAD 0.009%). This variant has not been reported in the literature in individuals affected with MYOT-related conditions. ClinVar contains an entry for this variant (Variation ID: 1983651). An algorithm developed to predict the effect of missense changes on protein structure and function (PolyPhen-2) suggests that this variant is likely to be tolerated. In summary, the available evidence is currently insufficient to determine the role of this variant in disease. Therefore, it has been classified as a Variant of Uncertain Significance.

NM_006790.3(MYOT):c.1322C>T (p.Thr441Met)

Genes: MYOT (myotilin; plus strand), PKD2L2-DT (PKD2L2 divergent transcript; minus strand). Cytogenetic location: 5q31.2.
Variant type: single nucleotide variant.
Coding change: c.1322C>T on transcript NM_006790.3 (MANE Select); coding-DNA position 1322, C replaced by T.
Protein change: p.Thr441Met; replaces threonine 441 with methionine.
Molecular consequence: missense variant.
Genome position (GRCh38, 1-based): chr5:137,886,995, C>T. VCF-style: chr5-137886995-C-T. GRCh37 (hg19) VCF-style: chr5-137222684-C-T.
Other names: c.770C>T, p.Thr257Met (NM_001135940.2); c.977C>T, p.Thr326Met (NM_001300911.2); short protein forms T441M, T257M, T326M.
Identifiers: ClinVar variation 1983651 (VCV001983651.4), dbSNP rs748113190, ClinGen allele CA3423151.